The following is an entry in ClinVar:

ClinVar aggregate classification (germline): Pathogenic (1 of 4 stars; one submission).

Submission:

Labcorp Genetics (formerly Invitae), Labcorp
Classification: Pathogenic. Last evaluated: 2020-02-26. Review status: criteria provided, single submitter. Criteria: Invitae Variant Classification Sherloc (09022015). Collection method: clinical testing. Allele origin: germline.
Comment: Loss-of-function variants in WAC are known to be pathogenic (PMID: 26264232, 26757981). For these reasons, this variant has been classified as Pathogenic. This variant has been observed in individual(s) with clinical features of Desanto-Shinawi syndrome (Invitae). In at least one individual the variant was observed to be de novo. This variant is not present in population databases (ExAC no frequency). This sequence change creates a premature translational stop signal (p.Gln358Argfs*29) in the WAC gene. It is expected to result in an absent or disrupted protein product.

Literature cited by the submitters: PubMed 26264232; PubMed 26757981.

NM_016628.5(WAC):c.1072del (p.Gln358fs)

Gene: WAC (WW domain containing adaptor with coiled-coil; plus strand). Cytogenetic location: 10p12.1.
Variant type: Deletion.
Coding change: c.1072del on transcript NM_016628.5 (MANE Select); coding-DNA position 1072, one base deleted (C; older notation c.1072delC).
Protein change: p.Gln358fs; shifts the reading frame from glutamine 358.
Molecular consequence: frameshift variant.
Genome position (GRCh38, 1-based): chr10:28,608,338, C deleted. VCF-style (leftmost placement, unchanged base first): chr10-28608337-TC-T. GRCh37 (hg19) VCF-style: chr10-28897266-TC-T.
Other names: c.937del, p.Gln313fs (NM_100264.3); c.763del, p.Gln255fs (NM_100486.4); short protein forms Q255fs, Q313fs, Q358fs.
Identifiers: ClinVar variation 1072462 (VCV001072462.9), dbSNP rs2132809028, ClinGen allele CA2499220224.